The following is an entry in ClinVar:

ClinVar aggregate classification (germline): Uncertain significance (1 of 4 stars; one submission).

Conditions:
Neurofibromatosis, type 1 (NF1). Also called: NEUROFIBROMATOSIS, TYPE I, SOMATIC; VON RECKLINGHAUSEN DISEASE; Peripheral type neurofibromatosis; Neurofibromatosis, type I. Identifiers: Orphanet 636, MedGen C0027831, MONDO:0018975, OMIM 162200. Disease mechanism: loss of function.

Submission:

Labcorp Genetics (formerly Invitae), Labcorp
Classification: Uncertain significance for Neurofibromatosis, type 1. Last evaluated: 2021-07-16. Review status: criteria provided, single submitter. Criteria: Invitae Variant Classification Sherloc (09022015). Collection method: clinical testing. Allele origin: germline.
Comment: This sequence change falls in intron 25 of the NF1 gene. It does not directly change the encoded amino acid sequence of the NF1 protein. In summary, the available evidence is currently insufficient to determine the role of this variant in disease. Therefore, it has been classified as a Variant of Uncertain Significance. Algorithms developed to predict the effect of sequence changes on RNA splicing suggest that this variant may disrupt the consensus splice site. This variant has not been reported in the literature in individuals affected with NF1-related conditions. This variant is not present in population databases (ExAC no frequency).

NM_001042492.3(NF1):c.3315-34_3315-4del

Gene: NF1 (neurofibromin 1; plus strand). Cytogenetic location: 17q11.2.
Variant type: Deletion.
Coding change: c.3315-34_3315-4del on transcript NM_001042492.3 (MANE Select); 34 bases into the intron before coding-DNA position 3315 through 4 bases into the intron before coding-DNA position 3315, 31 bases deleted.
Molecular consequence: intron variant.
Genome position (GRCh38, 1-based): chr17:31,232,666-31,232,696, 31 bases deleted; deleting any 31 consecutive bases within chr17:31,232,664-31,232,696 gives the same sequence; the c. name uses the placement nearest the transcript's 3' end. GRCh37 (hg19): chr17:29,559,684-29,559,714.
Other names: c.3315-34_3315-4del (NM_000267.4).
Identifiers: ClinVar variation 1465664 (VCV001465664.6), dbSNP rs2151434319, ClinGen allele CA2573153340.